The following is an entry in ClinVar:

NM_001370259.2(MEN1):c.1277G>A (p.Gly426Asp)

Gene: MEN1 (menin 1; minus strand). Cytogenetic location: 11q13.1.
Variant type: single nucleotide variant.
Coding change: c.1277G>A on transcript NM_001370259.2 (MANE Select); coding-DNA position 1277, G replaced by A.
Protein change: p.Gly426Asp; replaces glycine 426 with aspartic acid.
Molecular consequence: missense variant. On other transcripts: non-coding transcript variant (4), intron variant (1).
Genome position (GRCh38, 1-based): chr11:64,805,107, C>T on the plus strand (G>A on the coding strand, the complement: MEN1 is on the minus strand). VCF-style: chr11-64805107-C-T. GRCh37 (hg19) VCF-style: chr11-64572579-C-T.
Other names: c.1292G>A, p.Gly431Asp (NM_000244.4, NM_001407145.1, NM_130800.3 and 4 more transcripts); c.1403G>A, p.Gly468Asp (NM_001370251.2, NM_001407142.1, NM_001407143.1 and 1 more transcripts); c.1277G>A, p.Gly426Asp (NM_001370260.2, NM_001370261.2, NM_001407146.1 and 2 more transcripts); c.1172G>A, p.Gly391Asp (NM_001370262.2, NM_001370263.2, NM_001407148.1 and 1 more transcripts); c.1418G>A, p.Gly473Asp (NM_001407150.1); c.1298G>A, p.Gly433Asp (NM_001407151.1); c.1186-291G>A (NM_001407152.1); short protein forms G431D, G426D, G473D, G391D, G433D, G468D.
Identifiers: ClinVar variation 3394972 (VCV003394972.1).
Genomic context (GRCh38, chr11:64,805,107, plus strand): 5'-CGGCCTAGGGACTGCACAAGAAAGGTGGCCCAGCCCACATGCAGCACAGGCGTGGGACTG[C>T]CCTCCTCCCATTTGCAGATGCCGTCGTAGAATCGCAGCAGGTGGGCGAAGCACTCAGGGT-3'
Protein context (NP_001357188.2, residues 416-436): FYDGICKWEE[Gly426Asp]SPTPVLHVGW

ClinVar aggregate classification (germline): Uncertain significance (1 of 4 stars; one submission).

Conditions:
Hereditary cancer-predisposing syndrome. Also called: Hereditary Cancer Syndrome; Tumor predisposition; Hereditary neoplastic syndrome; Neoplastic Syndromes, Hereditary. Identifiers: Orphanet 140162, MedGen C0027672, MeSH D009386, MONDO:0015356.

Submission:

Ambry Genetics
Classification: Uncertain significance for Hereditary cancer-predisposing syndrome. Last evaluated: 2024-09-23. Review status: criteria provided, single submitter. Criteria: Ambry Variant Classification Scheme 2023. Collection method: clinical testing. Allele origin: germline.
Comment: The p.G426D variant (also known as c.1277G>A), located in coding exon 8 of the MEN1 gene, results from a G to A substitution at nucleotide position 1277. The glycine at codon 426 is replaced by aspartic acid, an amino acid with similar properties. This amino acid position is conserved. In addition, this alteration is predicted to be deleterious by in silico analysis. Based on the available evidence, the clinical significance of this variant remains unclear.